The following is an entry in ClinVar:

NM_000277.3(PAH):c.620A>G (p.Asn207Ser)

Gene: PAH (phenylalanine hydroxylase; minus strand). Cytogenetic location: 12q23.2.
Variant type: single nucleotide variant.
Coding change: c.620A>G on transcript NM_000277.3 (MANE Select); coding-DNA position 620, A replaced by G.
Protein change: p.Asn207Ser; replaces asparagine 207 with serine.
Molecular consequence: missense variant.
Genome position (GRCh38, 1-based): chr12:102,855,222, T>C on the plus strand (A>G on the coding strand, the complement: PAH is on the minus strand). VCF-style: chr12-102855222-T-C. GRCh37 (hg19) VCF-style: chr12-103249000-T-C.
Other names: NM_000277.3(PAH):c.620A>G; c.620A>G, p.Asn207Ser (NM_001354304.2); short protein forms N207S.
Identifiers: ClinVar variation 102765 (VCV000102765.17), dbSNP rs62508721, ClinGen allele CA229665.

ClinVar aggregate classification (germline): Likely pathogenic. Review status: reviewed by expert panel (3 of 4 stars). 6 submissions from 6 submitters: Likely pathogenic (1). 5 of the submissions do not count toward it. Last evaluated 2023-07-23.

Conditions:
Phenylketonuria (PKU). Also called: Phenylketonuria (PKU); FOLLING DISEASE; OLIGOPHRENIA PHENYLPYRUVICA; Phenylketonurias. Identifiers: Orphanet 716, MedGen C0031485, MONDO:0009861, OMIM 261600. Disease mechanism: loss of function.

gnomAD v4.1: 2 of 1,614,112 alleles (0.00012%); highest among the groups gnomAD compares: South Asian, 0.0011%; no homozygotes.

Submissions (6):

ClinGen PAH Variant Curation Expert Panel
Classification: Likely pathogenic for Phenylketonuria. Last evaluated: 2023-07-23. Review status: reviewed by expert panel. Criteria: ClinGen PAH ACMG Specifications v1. Collection method: curation. Allele origin: germline. Inheritance: Autosomal recessive inheritance.
Comment: The NM_000277.3:c.620A>G variant in PAH is a missense variant predicted to cause substitution of asparagine by serine at amino acid 207 (p.Asn207Ser). This variant has been detected in at least 5 unrelated individuals with PAH deficiency (PMID: 32668217, PMID: 9048935). Of these individuals, one was a compound heterozygote for the variant and a likely pathogenic variant, p.Pro281Leu, in trans (phase confirmed by parental testing) (PMID: 9048935), and four were compound heterozygotes for the variant and pathogenic variants, p.Ala300Ser, p.Ala403Val, p.Glu390Gly, p.Arg252Gln, in unknown phase (PMID: 32668217) (3pts total, PM3_Strong). One of these individuals had plasma phenylalanine >120 μmol/L without the exclusion of a defect of BH4 cofactor metabolism (PMID: 9048935) (PP4). This variant is absent in gnomAD v2.1.1 (PM2_Supporting). The computational predictor REVEL gives a score of 0.77 which is above the threshold of 0.75, evidence that correlates with impact to PAH function (PP3). There is a ClinVar entry for this variant (Variation ID: 102765, 1 star review status) with one submitter classifying the variant as pathogenic, one submitter classifying the variant as likely pathogenic, and one submitter classifying the variant as a variant of uncertain significance. In summary, this variant meets the criteria to be classified as likely pathogenic for PAH deficiency based on the ACMG/AMP criteria applied, as specified by the ClinGen PAH Variant Curation Expert Panel (Specifications Version 2.0): PM2_Supporting, PM3_Strong, PP3, PP4.

Myriad Genetics, Inc.
Classification: Likely pathogenic for Phenylketonuria. Last evaluated: 2026-06-05. Review status: criteria provided, single submitter. Criteria: Myriad Autosomal Dominant, Autosomal Recessive and X-Linked Classification Criteria (2023). Collection method: clinical testing. Allele origin: unknown. Not counted in ClinVar's aggregate classification.
Comment: NM_000277.1(PAH):c.620A>G(N207S) is a missense variant classified as likely pathogenic in the context of phenylalanine hydroxylase deficiency. N207S has been observed in cases with relevant disease (PMID: 9048935, 32668217). Relevant functional assessments of this variant are not available in the literature. N207S has not been observed in referenced population frequency databases. In summary, NM_000277.1(PAH):c.620A>G(N207S) is a missense variant that has been observed more frequently in cases with the relevant disease than in healthy populations. Please note: this variant was assessed in the context of healthy population screening.

Labcorp Genetics (formerly Invitae), Labcorp
Classification: Pathogenic for Phenylketonuria. Last evaluated: 2022-03-29. Review status: criteria provided, single submitter. Criteria: Invitae Variant Classification Sherloc (09022015). Collection method: clinical testing. Allele origin: germline. Not counted in ClinVar's aggregate classification.
Comment: This sequence change replaces asparagine, which is neutral and polar, with serine, which is neutral and polar, at codon 207 of the PAH protein (p.Asn207Ser). This variant is not present in population databases (gnomAD no frequency). This missense change has been observed in individual(s) with hyperphenylalaninemia (PMID: 9048935, 17096675, 31332730). ClinVar contains an entry for this variant (Variation ID: 102765). Advanced modeling of protein sequence and biophysical properties (such as structural, functional, and spatial information, amino acid conservation, physicochemical variation, residue mobility, and thermodynamic stability) performed at Invitae indicates that this missense variant is expected to disrupt PAH protein function. This variant disrupts the p.Asn207 amino acid residue in PAH. Other variant(s) that disrupt this residue have been determined to be pathogenic (PMID: 9452061, 12554741). This suggests that this residue is clinically significant, and that variants that disrupt this residue are likely to be disease-causing. For these reasons, this variant has been classified as Pathogenic.

Genome-Nilou Lab
Classification: Likely pathogenic for Phenylketonuria. Last evaluated: 2021-07-22. Review status: criteria provided, single submitter. Criteria: ACMG Guidelines, 2015. Collection method: clinical testing. Allele origin: germline. Affected: no. Not counted in ClinVar's aggregate classification.

Counsyl
Classification: Uncertain significance for Phenylketonuria. Last evaluated: 2017-08-22. Review status: no assertion criteria provided. Collection method: clinical testing. Allele origin: unknown. Not counted in ClinVar's aggregate classification.

DeBelle Laboratory for Biochemical Genetics, MUHC/MCH RESEARCH INSTITUTE
No classification provided. Review status: no classification provided. Collection method: not provided. Allele origin: not provided. Not counted in ClinVar's aggregate classification.

Literature cited by the submitters: PubMed 32668217 (cited by Myriad Genetics, Inc.); PubMed 9048935 (cited by 3 submitters); PubMed 17096675 (cited by Labcorp Genetics (formerly Invitae), Labcorp and Counsyl); PubMed 31332730 (cited by Labcorp Genetics (formerly Invitae), Labcorp); PubMed 9452061 (cited by Labcorp Genetics (formerly Invitae), Labcorp); PubMed 12554741 (cited by Labcorp Genetics (formerly Invitae), Labcorp and Counsyl).